The following is an entry in ClinVar:

ClinVar aggregate classification (germline): Benign/Likely benign. Review status: criteria provided, multiple submitters, no conflicts (2 of 4 stars). 9 submissions from 8 submitters: Benign (6); Likely benign (1). 2 of the submissions do not count toward it. Last evaluated 2026-02-04.

Conditions:
Alpha-methylacyl-CoA racemase deficiency (AMACRD). Also called: AMACR deficiency. Identifiers: Orphanet 79095, MedGen C3280428, MONDO:0013681, OMIM 614307. Disease mechanism: loss of function.
Congenital bile acid synthesis defect 4 (CBAS4). Also called: TRIHYDROXYCOPROSTANIC ACID IN BILE; CHOLESTASIS, INTRAHEPATIC, WITH DEFECTIVE CONVERSION OF TRIHYDROXYCOPROSTANIC ACID TO CHOLIC ACID. Identifiers: Orphanet 79095, MedGen C1858328, MONDO:0008967, OMIM 214950.

Allele frequency attached by ClinVar (database versions not stated): 1000 Genomes Project 0.71486; 1000 Genomes Project 30x 0.72033; gnomAD 0.73966; TOPMed 0.74596; ESP Exome Variant Server 0.74865.
gnomAD v4.1: 1,143,016 of 1,613,612 alleles (71%); highest among the groups gnomAD compares: East Asian, 85%; 408,251 homozygotes.

Submissions (9):

Labcorp Genetics (formerly Invitae), Labcorp
Classification: Benign for Alpha-methylacyl-CoA racemase deficiency. Last evaluated: 2026-02-04. Review status: criteria provided, single submitter. Criteria: Invitae Variant Classification Sherloc (09022015). Collection method: clinical testing. Allele origin: germline.

Blueprint Genetics
Classification: Likely benign. Last evaluated: 2024-11-27. Review status: criteria provided, single submitter. Criteria: ACMG Guidelines, 2015. Collection method: clinical testing. Allele origin: germline.

Genome-Nilou Lab
Classification: Benign for Alpha-methylacyl-CoA racemase deficiency. Last evaluated: 2021-07-14. Review status: criteria provided, single submitter. Criteria: ACMG Guidelines, 2015. Collection method: clinical testing. Allele origin: germline. Affected: no.

Genome-Nilou Lab
Classification: Benign for Congenital bile acid synthesis defect 4. Last evaluated: 2021-07-14. Review status: criteria provided, single submitter. Criteria: ACMG Guidelines, 2015. Collection method: clinical testing. Allele origin: germline. Affected: no.

Illumina Laboratory Services, Illumina
Classification: Benign for Alpha-methylacyl-CoA racemase deficiency. Last evaluated: 2018-03-06. Review status: criteria provided, single submitter. Criteria: ICSL Variant Classification Criteria 13 December 2019. Collection method: clinical testing. Allele origin: germline.
Comment: This variant was observed in the ICSL laboratory as part of a predisposition screen in an ostensibly healthy population. It had not been previously curated by ICSL or reported in the Human Gene Mutation Database (HGMD: prior to June 1st, 2018), and was therefore a candidate for classification through an automated scoring system. Utilizing variant allele frequency, disease prevalence and penetrance estimates, and inheritance mode, an automated score was calculated to assess if this variant is too frequent to cause the disease. Based on the score and internal cut-off values, a variant classified as benign is not then subjected to further curation. The score for this variant resulted in a classification of benign for this disease.

GeneDx
Classification: Benign. Last evaluated: 2015-12-23. Review status: criteria provided, single submitter. Criteria: GeneDx Variant Classification (06012015). Collection method: clinical testing. Allele origin: germline. Affected: yes.
Comment: This variant is considered likely benign or benign based on one or more of the following criteria: it is a conservative change, it occurs at a poorly conserved position in the protein, it is predicted to be benign by multiple in silico algorithms, and/or has population frequency not consistent with disease.

Breakthrough Genomics
Classification: Benign. Review status: criteria provided, single submitter. Criteria: ACMG Guidelines, 2015. Collection method: not provided. Allele origin: germline. Inheritance: Autosomal recessive inheritance. Affected: yes.

Mayo Clinic Laboratories, Mayo Clinic
Classification: Benign. Last evaluated: 2015-10-22. Review status: no assertion criteria provided. Collection method: clinical testing. Allele origin: unknown. Not counted in ClinVar's aggregate classification.

Genetic Services Laboratory, University of Chicago
Classification: Likely benign for AllHighlyPenetrant. Review status: no assertion criteria provided. Collection method: clinical testing. Allele origin: germline. Inheritance: Autosomal recessive inheritance. Not counted in ClinVar's aggregate classification.
Comment: Likely benign based on allele frequency in 1000 Genomes Project or ESP global frequency and its presence in a patient with a rare or unrelated disease phenotype. NOT Sanger confirmed.

NM_014324.6(AMACR):c.602T>C (p.Leu201Ser)

Genes: AMACR (alpha-methylacyl-CoA racemase; minus strand), C1QTNF3-AMACR (C1QTNF3-AMACR readthrough (NMD candidate); minus strand). Cytogenetic location: 5p13.2.
Variant type: single nucleotide variant.
Coding change: c.602T>C on transcript NM_014324.6 (MANE Select); coding-DNA position 602, T replaced by C.
Protein change: p.Leu201Ser; replaces leucine 201 with serine.
Molecular consequence: missense variant. On other transcripts: non-coding transcript variant (1), synonymous variant (1).
Genome position (GRCh38, 1-based): chr5:33,998,778, A>G on the plus strand (T>C on the coding strand, the complement: AMACR is on the minus strand). VCF-style: chr5-33998778-A-G. GRCh37 (hg19) VCF-style: chr5-33998883-A-G.
Other names: c.602T>C, p.Leu201Ser (NM_001167595.2); c.441T>C, p.Ile147= (NM_203382.3); short protein forms L201S.
Identifiers: ClinVar variation 128358 (VCV000128358.26), dbSNP rs2287939, ClinGen allele CA151762.